The following is an entry in ClinVar:

ClinVar aggregate classification (germline): Uncertain significance (1 of 4 stars; one submission).

Conditions:
Hereditary cancer-predisposing syndrome. Also called: Hereditary Cancer Syndrome; Hereditary neoplastic syndrome; Neoplastic Syndromes, Hereditary; Tumor predisposition. Identifiers: Orphanet 140162, MedGen C0027672, MeSH D009386, MONDO:0015356.

Submission:

Ambry Genetics
Classification: Uncertain significance for Hereditary cancer-predisposing syndrome. Last evaluated: 2025-04-19. Review status: criteria provided, single submitter. Criteria: Ambry Variant Classification Scheme 2023. Collection method: clinical testing. Allele origin: germline.
Comment: The p.K143T variant (also known as c.428A>C), located in coding exon 3 of the NTHL1 gene, results from an A to C substitution at nucleotide position 428. The lysine at codon 143 is replaced by threonine, an amino acid with similar properties. This amino acid position is conserved. In addition, the in silico prediction for this alteration is inconclusive. Based on the available evidence, the clinical significance of this variant remains unclear.

NM_002528.7(NTHL1):c.404A>C (p.Lys135Thr)

Gene: NTHL1 (nth like DNA glycosylase 1; minus strand). Cytogenetic location: 16p13.3.
Variant type: single nucleotide variant.
Coding change: c.404A>C on transcript NM_002528.7 (MANE Select); coding-DNA position 404, A replaced by C.
Protein change: p.Lys135Thr; replaces lysine 135 with threonine.
Molecular consequence: missense variant. On other transcripts: intron variant (1).
Genome position (GRCh38, 1-based): chr16:2,044,751, T>G on the plus strand (A>C on the coding strand, the complement: NTHL1 is on the minus strand). VCF-style: chr16-2044751-T-G. GRCh37 (hg19) VCF-style: chr16-2094752-T-G.
Other names: c.74A>C, p.Lys25Thr (NM_001318194.2); c.355-1025A>C (NM_001318193.2); short protein forms K25T, K135T.
Identifiers: ClinVar variation 3922251 (VCV003922251.1).
Genomic context (GRCh38, chr16:2,044,751, plus strand): 5'-CTGTCCACCGTCAGGCCCCGCGCCCGCAGTCGCTGCATGGCGCCCGCCGTCACCTGGTCT[T>G]TGGTTTGGCTGGAGAGCATCAGTGACAGCAGCACCTGGTACCTGCGTACCTGCTTGTGCA-3'
Protein context (NP_002519.2, residues 125-145): LLSLMLSSQT[Lys135Thr]DQVTAGAMQR